The following is an entry in ClinVar:

NM_004304.5(ALK):c.2373G>C (p.Gln791His)

Gene: ALK (ALK receptor tyrosine kinase; minus strand). Cytogenetic location: 2p23.2.
Variant type: single nucleotide variant.
Coding change: c.2373G>C on transcript NM_004304.5 (MANE Select); coding-DNA position 2373, G replaced by C.
Protein change: p.Gln791His; replaces glutamine 791 with histidine.
Molecular consequence: missense variant.
Genome position (GRCh38, 1-based): chr2:29,233,679, C>G on the plus strand (G>C on the coding strand, the complement: ALK is on the minus strand). VCF-style: chr2-29233679-C-G. GRCh37 (hg19) VCF-style: chr2-29456545-C-G.
Other names: c.2373G>C (NM_004304.4); short protein forms Q791H.
Identifiers: ClinVar variation 1464962 (VCV001464962.9), dbSNP rs1344236918, ClinGen allele CA346472526.
Genomic context (GRCh38, chr2:29,233,679, plus strand): 5'-CACGCTTCTGTTCACACGGATTTCTTCTTCTATCACATTGTTCTCTCCAATGCAGACTTT[C>G]TGGATTAACTGGTTTGTCTGTAGAAACAAAAAGCACGTTAGGTTTGTGGCCAAACCAGAG-3'
Protein context (NP_004295.2, residues 781-801): DACPSTNQLI[Gln791His]KVCIGENNVI

ClinVar aggregate classification (germline): Uncertain significance. Review status: criteria provided, multiple submitters, no conflicts (2 of 4 stars). 2 submissions from 2 submitters: Uncertain significance (2). Last evaluated 2026-06-01.

Conditions:
Hereditary cancer-predisposing syndrome. Also called: Tumor predisposition; Neoplastic Syndromes, Hereditary; Hereditary Cancer Syndrome; Hereditary neoplastic syndrome. Identifiers: Orphanet 140162, MedGen C0027672, MeSH D009386, MONDO:0015356.
Neuroblastoma, susceptibility to, 3. Also called: ALK-Related Neuroblastic Tumor Susceptibility. Identifiers: Orphanet 635, MedGen C2751681, MONDO:0013083, OMIM 613014.

Allele frequency attached by ClinVar (database versions not stated): gnomAD 0.00001; TOPMed 0.00001.
gnomAD v4.1: 1 of 1,614,128 alleles (0.000062%); highest among the groups gnomAD compares: African/African-American, 0.0013%; no homozygotes.

Submissions (2):

Ambry Genetics
Classification: Uncertain significance for Hereditary cancer-predisposing syndrome. Last evaluated: 2026-06-01. Review status: criteria provided, single submitter. Criteria: Ambry Variant Classification Scheme 2023. Collection method: clinical testing. Allele origin: germline.
Comment: The p.Q791H variant (also known as c.2373G>C), located in coding exon 14 of the ALK gene, results from a G to C substitution at nucleotide position 2373. The glutamine at codon 791 is replaced by histidine, an amino acid with highly similar properties. This amino acid position is conserved. In addition, this alteration is predicted to be tolerated by in silico analysis. Based on the available evidence, the clinical significance of this variant remains unclear.

Labcorp Genetics (formerly Invitae), Labcorp
Classification: Uncertain significance for Neuroblastoma, susceptibility to, 3. Last evaluated: 2021-02-15. Review status: criteria provided, single submitter. Criteria: Invitae Variant Classification Sherloc (09022015). Collection method: clinical testing. Allele origin: germline.
Comment: In summary, the available evidence is currently insufficient to determine the role of this variant in disease. Therefore, it has been classified as a Variant of Uncertain Significance. Algorithms developed to predict the effect of missense changes on protein structure and function are either unavailable or do not agree on the potential impact of this missense change (SIFT: "Deleterious"; PolyPhen-2: "Probably Damaging"; Align-GVGD: "Class C15"). This variant has not been reported in the literature in individuals with ALK-related conditions. This variant is not present in population databases (ExAC no frequency). This sequence change replaces glutamine with histidine at codon 791 of the ALK protein (p.Gln791His). The glutamine residue is highly conserved and there is a small physicochemical difference between glutamine and histidine.